The following is an entry in ClinVar:

NC_000023.10:g.(?_32662229)_(32867957_?)dup

Gene: DMD (dystrophin; minus strand). Cytogenetic location: Xp21.1.
Variant type: Duplication.
Identifiers: ClinVar variation 2424858 (VCV002424858.4).

ClinVar aggregate classification (germline): Pathogenic (1 of 4 stars; one submission).

Conditions:
Duchenne muscular dystrophy (DMD). Also called: Duchenne Muscular Dystrophy (DMD); MUSCULAR DYSTROPHY, PSEUDOHYPERTROPHIC PROGRESSIVE, DUCHENNE TYPE. Identifiers: Orphanet 98896, MedGen C0013264, MONDO:0010679, OMIM 310200.

Submission:

Labcorp Genetics (formerly Invitae), Labcorp
Classification: Pathogenic for Duchenne muscular dystrophy. Last evaluated: 2022-10-16. Review status: criteria provided, single submitter. Criteria: Invitae Variant Classification Sherloc (09022015). Collection method: clinical testing. Allele origin: germline.
Comment: This variant results in a copy number gain of the genomic region encompassing exon(s) 3-11 of the DMD gene. While the exact position of this variant cannot be determined from the data, sub-genic copy number gains are generally in tandem (PMID: 25640679). This variant is predicted to be out-of-frame, and may result in an absent or disrupted protein product. Loss-of-function variants in DMD are known to be pathogenic (PMID: 16770791, 25007885). A similar copy number variant has been observed in individuals with Duchenne Muscular Dystrophy and/or Becker Muscular Dystrophy (PMID: 16030524, 31705731). For these reasons, this variant has been classified as Pathogenic.

Literature cited by the submitters: PubMed 25640679; PubMed 16770791; PubMed 25007885; PubMed 16030524; PubMed 31705731.